The following is an entry in ClinVar:

ClinVar aggregate classification (germline): Likely pathogenic (1 of 4 stars; one submission).

Submission:

GeneDx
Classification: Likely pathogenic. Last evaluated: 2020-01-29. Review status: criteria provided, single submitter. Criteria: GeneDx Variant Classification Process June 2021. Collection method: clinical testing. Allele origin: germline. Affected: yes.
Comment: Not observed in large population cohorts (Lek et al., 2016); In silico analysis, which includes protein predictors and evolutionary conservation, supports a deleterious effect; In silico analysis, which includes protein predictors and evolutionary conservation, supports a deleterious effect; Has not been previously published as pathogenic or benign to our knowledge

NM_015922.3(NSDHL):c.683T>G (p.Ile228Ser)

Gene: NSDHL (NAD(P) dependent steroid dehydrogenase-like; plus strand). Cytogenetic location: Xq28.
Variant type: single nucleotide variant.
Coding change: c.683T>G on transcript NM_015922.3 (MANE Select); coding-DNA position 683, T replaced by G.
Protein change: p.Ile228Ser; replaces isoleucine 228 with serine.
Molecular consequence: missense variant.
Genome position (GRCh38, 1-based): chrX:152,865,958, T>G. VCF-style: chrX-152865958-T-G. GRCh37 (hg19) VCF-style: chrX-152034502-T-G.
Other names: c.683T>G, p.Ile228Ser (NM_001129765.2); short protein forms I228S.
Identifiers: ClinVar variation 1214891 (VCV001214891.3), dbSNP rs2125015914, ClinGen allele CA415286777.